The following is an entry in ClinVar:

ClinVar aggregate classification (germline): Uncertain significance. Review status: criteria provided, multiple submitters, no conflicts (2 of 4 stars). 3 submissions from 3 submitters: Uncertain significance (3). Last evaluated 2025-11-23.

Conditions:
Hereditary cancer-predisposing syndrome. Also called: Tumor predisposition; Hereditary Cancer Syndrome; Hereditary neoplastic syndrome; Neoplastic Syndromes, Hereditary. Identifiers: Orphanet 140162, MedGen C0027672, MeSH D009386, MONDO:0015356.
Multiple endocrine neoplasia, type 2 (MEN2). Identifiers: Orphanet 653, MedGen C4048306, MONDO:0019003. Disease mechanism: gain of function.

Allele frequency attached by ClinVar (database versions not stated): TOPMed below 0.00001.

Submissions (3):

Ambry Genetics
Classification: Uncertain significance for Hereditary cancer-predisposing syndrome. Last evaluated: 2025-11-23. Review status: criteria provided, single submitter. Criteria: Ambry Variant Classification Scheme 2023. Collection method: clinical testing. Allele origin: germline.
Comment: The p.L239V variant (also known as c.715C>G), located in coding exon 4 of the RET gene, results from a C to G substitution at nucleotide position 715. The leucine at codon 239 is replaced by valine, an amino acid with highly similar properties. This amino acid position is conserved. In addition, the in silico prediction for this alteration is inconclusive. Since supporting evidence is limited at this time, the clinical significance of this alteration remains unclear.

Labcorp Genetics (formerly Invitae), Labcorp
Classification: Uncertain significance for Multiple endocrine neoplasia, type 2. Last evaluated: 2024-10-07. Review status: criteria provided, single submitter. Criteria: Invitae Variant Classification Sherloc (09022015). Collection method: clinical testing. Allele origin: germline.
Comment: This sequence change replaces leucine, which is neutral and non-polar, with valine, which is neutral and non-polar, at codon 239 of the RET protein (p.Leu239Val). This variant is not present in population databases (gnomAD no frequency). This variant has not been reported in the literature in individuals affected with RET-related conditions. ClinVar contains an entry for this variant (Variation ID: 1470665). An algorithm developed to predict the effect of missense changes on protein structure and function (PolyPhen-2) suggests that this variant is likely to be tolerated. In summary, the available evidence is currently insufficient to determine the role of this variant in disease. Therefore, it has been classified as a Variant of Uncertain Significance.

All of Us Research Program, National Institutes of Health
Classification: Uncertain significance for Multiple endocrine neoplasia, type 2. Last evaluated: 2024-03-24. Review status: criteria provided, single submitter. Criteria: ACMG Guidelines, 2015. Collection method: clinical testing. Allele origin: germline. Inheritance: Autosomal dominant inheritance. Observed: 1 variant allele, 1 heterozygote.
Comment: This missense variant replaces leucine with valine at codon 239 of the RET protein. Computational prediction is inconclusive regarding the impact of this variant on protein structure and function (internally defined REVEL score threshold 0.5 < inconclusive < 0.7, PMID: 27666373). To our knowledge, functional studies have not been reported for this variant. This variant has not been reported in individuals affected with RET-related disorders in the literature. This variant has not been identified in the general population by the Genome Aggregation Database (gnomAD). The available evidence is insufficient to determine the role of this variant in disease conclusively. Therefore, this variant is classified as a Variant of Uncertain Significance.

This study involves interpretation of variants in research participants for the purpose of population health screening. Participant phenotype was not available at the time of variant classification. Additional details can be found in publication PMID: 35346344, PMCID: PMC8962531

NM_020975.6(RET):c.715C>G (p.Leu239Val)

Gene: RET (ret proto-oncogene; plus strand). Cytogenetic location: 10q11.21.
Variant type: single nucleotide variant.
Coding change: c.715C>G on transcript NM_020975.6 (MANE Select); coding-DNA position 715, C replaced by G.
Protein change: p.Leu239Val; replaces leucine 239 with valine.
Molecular consequence: missense variant.
Genome position (GRCh38, 1-based): chr10:43,105,041, C>G. VCF-style: chr10-43105041-C-G. GRCh37 (hg19) VCF-style: chr10-43600489-C-G.
Other names: c.715C>G, p.Leu239Val (NM_000323.2, NM_001406743.1, NM_001406744.1 and 8 more transcripts); c.-48C>G (NM_001355216.2); c.586C>G, p.Leu196Val (NM_001406761.1, NM_001406762.1, NM_001406764.1 and 2 more transcripts); c.427C>G, p.Leu143Val (NM_001406766.1, NM_001406767.1, NM_001406770.1); short protein forms L239V, L143V, L196V.
Identifiers: ClinVar variation 1470665 (VCV001470665.13), dbSNP rs1837732123, ClinGen allele CA376544700.